The following is an entry in ClinVar:

ClinVar aggregate classification (germline): Likely pathogenic (1 of 4 stars; one submission).

Conditions:
Autosomal recessive spinocerebellar ataxia 20. Identifiers: Orphanet 397709, MedGen C5190595, MONDO:0014601, OMIM 616354.

gnomAD v4.1: 2 of 1,606,766 alleles (0.00012%); highest among the groups gnomAD compares: East Asian, 0.0022%; no homozygotes.

Submission:

Juno Genomics, Hangzhou Juno Genomics, Inc
Classification: Likely pathogenic for Autosomal recessive spinocerebellar ataxia 20. Review status: criteria provided, single submitter. Criteria: ACMG Guidelines, 2015. Collection method: clinical testing. Allele origin: germline.
Comment: Absent from controls (or at extremely low frequency if recessive) in Genome Aggregation Database.;Null variant in a gene where loss of function (LOF) is a known mechanism of disease.

NM_153816.6(SNX14):c.655C>T (p.Gln219Ter)

Gene: SNX14 (sorting nexin 14; minus strand). Cytogenetic location: 6q14.3.
Variant type: single nucleotide variant.
Coding change: c.655C>T on transcript NM_153816.6 (MANE Select); coding-DNA position 655, C replaced by T.
Protein change: p.Gln219Ter; replaces glutamine 219 with a stop codon.
Molecular consequence: nonsense. On other transcripts: 5 prime UTR variant (7), non-coding transcript variant (6), intron variant (2).
Genome position (GRCh38, 1-based): chr6:85,549,859, G>A on the plus strand (C>T on the coding strand, the complement: SNX14 is on the minus strand). VCF-style: chr6-85549859-G-A. GRCh37 (hg19) VCF-style: chr6-86259577-G-A.
Other names: c.655C>T, p.Gln219Ter (NM_001297614.3, NM_001350540.2, NM_001350541.2); c.499C>T, p.Gln167Ter (NM_001304479.2); c.718C>T, p.Gln240Ter (NM_001350532.2); c.652C>T, p.Gln218Ter (NM_001350533.2, NM_001350534.2, NM_001350535.2); c.-396C>T (NM_001350547.2); c.-497C>T (NM_001350548.2, NM_001350549.2, NM_001350550.2 and 2 more transcripts); c.-529C>T (NM_001350552.2); c.523C>T, p.Gln175Ter (NM_020468.6, NM_001350536.2); and 7 more; short protein forms Q122*, Q123*, Q166*, Q167*, Q174*, Q175*, Q218*, Q219*.
Identifiers: ClinVar variation 5018547 (VCV005018547.2).